The following is an entry in ClinVar:

ClinVar aggregate classification (germline): Likely benign. Review status: criteria provided, single submitter (1 of 4 stars). 2 submissions from 2 submitters: Likely benign (1). 1 of the submissions does not count toward it. Last evaluated 2025-09-08.

Conditions:
Developmental and epileptic encephalopathy, 31A. Also called: Developmental and epileptic encephalopathy, 31; Epileptic encephalopathy, early infantile, 31. Identifiers: Orphanet 2382, MedGen C4225357, MONDO:0014598, OMIM 616346.

Allele frequency attached by ClinVar (database versions not stated): gnomAD exomes 0.00001.
gnomAD v4.1: 5 of 1,582,460 alleles (0.00032%); highest among the groups gnomAD compares: Non-Finnish European, 0.00043%; no homozygotes.

Submissions (2):

Labcorp Genetics (formerly Invitae), Labcorp
Classification: Likely benign for Developmental and epileptic encephalopathy, 31A. Last evaluated: 2025-09-08. Review status: criteria provided, single submitter. Criteria: Invitae Variant Classification Sherloc (09022015). Collection method: clinical testing. Allele origin: germline.

Diagnostics Centre, Carl Von Ossietzky University Oldenburg
Classification: Likely pathogenic. Last evaluated: 2025-08-20. Review status: no assertion criteria provided. Collection method: clinical testing. Allele origin: germline. Affected: yes. Observed: 1 variant allele. Not counted in ClinVar's aggregate classification.
Comment: The variant DNM1:c.599C>T p.(Thr200Ile) located in the exon 5 of the DNM1 gene results from a cytosine-to-thymine substitution at nucleotide position c.599. The threonine residue at protein position 200 is replaced by an isoleucine. Missense variants in this gene or the affected region are a known disease mechanism and are rare in the general population. The affected protein region has significant levels of missense constrain. In silico tools predict a severe deleterious effect in the protein structure and function (REVEL = 0.96). The affected position is located in the essential dynamin functional domain of the protein. The variant has been classified as Likely benign in ClinVar (VCV000833851.10). This variant is classified as very rare in the general population (MAF 3.2 * e-6 in gnomAD, v4.1.0). In summary, the variant is classified as a Likely Pathogenic.

NM_004408.4(DNM1):c.599C>T (p.Thr200Ile)

Gene: DNM1 (dynamin 1; plus strand). Cytogenetic location: 9q34.11.
Variant type: single nucleotide variant.
Coding change: c.599C>T on transcript NM_004408.4 (MANE Select); coding-DNA position 599, C replaced by T.
Protein change: p.Thr200Ile; replaces threonine 200 with isoleucine.
Molecular consequence: missense variant.
Genome position (GRCh38, 1-based): chr9:128,219,997, C>T. VCF-style: chr9-128219997-C-T. GRCh37 (hg19) VCF-style: chr9-130982276-C-T.
Other names: c.599C>T, p.Thr200Ile (NM_001005336.3, NM_001288737.2, NM_001288738.2 and 2 more transcripts); short protein forms T200I.
Identifiers: ClinVar variation 833851 (VCV000833851.11), dbSNP rs1834848160, ClinGen allele CA375012191.
Genomic context (GRCh38, chr9:128,219,997, plus strand): 5'-GTGTGTGAGAGCGGGTGCAGCTGTAGACGGCCCTCCTGCTGGTGCACCCAGGCCAGCGCA[C>T]CATCGGGGTCATCACCAAGCTGGACCTGATGGACGAGGGCACAGATGCCCGTGATGTGCT-3'
Protein context (NP_004399.2, residues 190-210): AKEVDPQGQR[Thr200Ile]IGVITKLDLM